The following is an entry in ClinVar:

NM_001286445.3(RIPOR2):c.2937T>C (p.Ala979=)

Gene: RIPOR2 (RHO family interacting cell polarization regulator 2; minus strand). Cytogenetic location: 6p22.3.
Variant type: single nucleotide variant.
Coding change: c.2937T>C on transcript NM_001286445.3 (MANE Select); coding-DNA position 2937, T replaced by C.
Protein change: p.Ala979=; no amino-acid change (alanine 979 retained).
Molecular consequence: synonymous variant.
Genome position (GRCh38, 1-based): chr6:24,818,557, A>G on the plus strand (T>C on the coding strand, the complement: RIPOR2 is on the minus strand). VCF-style: chr6-24818557-A-G. GRCh37 (hg19) VCF-style: chr6-24818785-A-G.
Other names: p.Ala1000=; c.2850T>C, p.Ala950= (NM_001346031.2, NM_001346032.2); c.3000T>C, p.Ala1000= (NM_014722.5).
Identifiers: ClinVar variation 508096 (VCV000508096.14), dbSNP rs9358802, ClinGen allele CA3659058.

ClinVar aggregate classification (germline): Benign. Review status: criteria provided, multiple submitters, no conflicts (2 of 4 stars). 4 submissions from 4 submitters: Benign (4). Last evaluated 2026-02-04.

Allele frequency attached by ClinVar (database versions not stated): ESP Exome Variant Server 0.27880; gnomAD 0.29439 and 0.30475; TOPMed 0.30036; ExAC 0.36780; gnomAD exomes 0.37802; 1000 Genomes Project 30x 0.37929; 1000 Genomes Project 0.39018.
gnomAD v4.1: 510,197 of 1,547,186 alleles (33%); highest among the groups gnomAD compares: East Asian, 67%; 89,341 homozygotes.

Submissions (4):

Labcorp Genetics (formerly Invitae), Labcorp
Classification: Benign. Last evaluated: 2026-02-04. Review status: criteria provided, single submitter. Criteria: Invitae Variant Classification Sherloc (09022015). Collection method: clinical testing. Allele origin: germline.

Mayo Clinic Laboratories, Mayo Clinic
Classification: Benign. Last evaluated: 2020-10-20. Review status: criteria provided, single submitter. Criteria: ACMG Guidelines, 2015. Collection method: clinical testing. Allele origin: germline. Observed: 99 variant alleles.

Laboratory for Molecular Medicine, Mass General Brigham Personalized Medicine
Classification: Benign. Last evaluated: 2017-08-23. Review status: criteria provided, single submitter. Criteria: LMM Criteria. Collection method: clinical testing. Allele origin: germline. Observed: 143 variant alleles.
Comment: p.Ala1000Ala in exon 21 of FAM65B: This variant is not expected to have clinical significance because it does not alter an amino acid residue, is not located wi thin the splice consensus sequence, and has been identified in 67.95% (424/624) of East Asian chromosomes by the Exome Aggregation Consortium (ExAC .; dbSNP rs9358802).

GeneDx
Classification: Benign. Last evaluated: 2017-05-09. Review status: criteria provided, single submitter. Criteria: GeneDx Variant Classification (06012015). Collection method: clinical testing. Allele origin: germline. Affected: yes.
Comment: This variant is considered likely benign or benign based on one or more of the following criteria: it is a conservative change, it occurs at a poorly conserved position in the protein, it is predicted to be benign by multiple in silico algorithms, and/or has population frequency not consistent with disease.